The following is an entry in ClinVar:

ClinVar aggregate classification (germline): Uncertain significance (1 of 4 stars; one submission).

Submission:

Labcorp Genetics (formerly Invitae), Labcorp
Classification: Uncertain significance. Last evaluated: 2020-05-24. Review status: criteria provided, single submitter. Criteria: Invitae Variant Classification Sherloc (09022015). Collection method: clinical testing. Allele origin: germline.
Comment: This sequence change replaces glycine with serine at codon 1147 of the COL11A1 protein (p.Gly1147Ser). The glycine residue is highly conserved and there is a small physicochemical difference between glycine and serine. This variant is not present in population databases (ExAC no frequency). In summary, the available evidence is currently insufficient to determine the role of this variant in disease. Therefore, it has been classified as a Variant of Uncertain Significance. This variant has not been reported in the literature in individuals with COL11A1-related conditions.

NM_001854.4(COL11A1):c.3439G>A (p.Gly1147Ser)

Gene: COL11A1 (collagen type XI alpha 1 chain; minus strand). Cytogenetic location: 1p21.1.
Variant type: single nucleotide variant.
Coding change: c.3439G>A on transcript NM_001854.4 (MANE Select); coding-DNA position 3439, G replaced by A.
Protein change: p.Gly1147Ser; replaces glycine 1147 with serine.
Molecular consequence: missense variant. On other transcripts: non-coding transcript variant (1).
Genome position (GRCh38, 1-based): chr1:102,935,113, C>T on the plus strand (G>A on the coding strand, the complement: COL11A1 is on the minus strand). VCF-style: chr1-102935113-C-T. GRCh37 (hg19) VCF-style: chr1-103400669-C-T.
Other names: c.3322G>A, p.Gly1108Ser (NM_001190709.2); c.3475G>A, p.Gly1159Ser (NM_080629.3); c.3091G>A, p.Gly1031Ser (NM_080630.4); short protein forms G1031S, G1108S, G1147S, G1159S.
Identifiers: ClinVar variation 1006025 (VCV001006025.8), dbSNP rs1658011510, ClinGen allele CA341168272.